The following is an entry in ClinVar:

ClinVar aggregate classification (germline): Uncertain significance (1 of 4 stars; one submission).

Conditions:
Hereditary cancer-predisposing syndrome. Also called: Neoplastic Syndromes, Hereditary; Tumor predisposition; Hereditary neoplastic syndrome; Hereditary Cancer Syndrome. Identifiers: Orphanet 140162, MedGen C0027672, MeSH D009386, MONDO:0015356.

Submission:

Ambry Genetics
Classification: Uncertain significance for Hereditary cancer-predisposing syndrome. Last evaluated: 2023-09-22. Review status: criteria provided, single submitter. Criteria: Ambry Variant Classification Scheme 2023. Collection method: clinical testing. Allele origin: germline.
Comment: The p.P326R variant (also known as c.977C>G), located in coding exon 8 of the MRE11A gene, results from a C to G substitution at nucleotide position 977. The proline at codon 326 is replaced by arginine, an amino acid with dissimilar properties. This amino acid position is conserved. In addition, the in silico prediction for this alteration is inconclusive. Since supporting evidence is limited at this time, the clinical significance of this alteration remains unclear.

NM_005591.4(MRE11):c.977C>G (p.Pro326Arg)

Gene: MRE11 (MRE11 double strand break repair nuclease; minus strand). Cytogenetic location: 11q21.
Variant type: single nucleotide variant.
Coding change: c.977C>G on transcript NM_005591.4 (MANE Select); coding-DNA position 977, C replaced by G.
Protein change: p.Pro326Arg; replaces proline 326 with arginine.
Molecular consequence: missense variant.
Genome position (GRCh38, 1-based): chr11:94,470,511, G>C on the plus strand (C>G on the coding strand, the complement: MRE11 is on the minus strand). VCF-style: chr11-94470511-G-C. GRCh37 (hg19) VCF-style: chr11-94203677-G-C.
Other names: c.977C>G, p.Pro326Arg (NM_001330347.2, NM_005590.4); short protein forms P326R.
Identifiers: ClinVar variation 3224879 (VCV003224879.1), dbSNP rs2496482650, ClinGen allele CA382374266.